The following is an entry in ClinVar:

ClinVar aggregate classification (germline): Uncertain significance (1 of 4 stars; one submission).

Submission:

Labcorp Genetics (formerly Invitae), Labcorp
Classification: Uncertain significance. Last evaluated: 2023-03-12. Review status: criteria provided, single submitter. Criteria: Invitae Variant Classification Sherloc (09022015). Collection method: clinical testing. Allele origin: germline.
Comment: This sequence change replaces methionine, which is neutral and non-polar, with valine, which is neutral and non-polar, at codon 917 of the CFH protein (p.Met917Val). This variant is not present in population databases (gnomAD no frequency). This variant has not been reported in the literature in individuals affected with CFH-related conditions. An algorithm developed to predict the effect of missense changes on protein structure and function (PolyPhen-2) suggests that this variant is likely to be disruptive. In summary, the available evidence is currently insufficient to determine the role of this variant in disease. Therefore, it has been classified as a Variant of Uncertain Significance.

NM_000186.4(CFH):c.2749A>G (p.Met917Val)

Gene: CFH (complement factor H; plus strand). Cytogenetic location: 1q31.3.
Variant type: single nucleotide variant.
Coding change: c.2749A>G on transcript NM_000186.4 (MANE Select); coding-DNA position 2749, A replaced by G.
Protein change: p.Met917Val; replaces methionine 917 with valine.
Molecular consequence: missense variant.
Genome position (GRCh38, 1-based): chr1:196,737,627, A>G. VCF-style: chr1-196737627-A-G. GRCh37 (hg19) VCF-style: chr1-196706757-A-G.
Other names: short protein forms M917V.
Identifiers: ClinVar variation 2845193 (VCV002845193.3), dbSNP rs999352193, ClinGen allele CA35868254.
Genomic context (GRCh38, chr1:196,737,627, plus strand): 5'-TTGAGTTATACTTGTGAGGGTGGTTTCAGGATATCTGAAGAAAATGAAACAACATGCTAC[A>G]TGGGAAAATGGAGTTCTCCACCTCAGTGTGAAGGTTAGGCCAATATGAATACTCAATTTC-3'
Protein context (NP_000177.2, residues 907-927): ISEENETTCY[Met917Val]GKWSSPPQCE